The following is an entry in ClinVar:

ClinVar aggregate classification (germline): Uncertain significance. Review status: criteria provided, multiple submitters, no conflicts (2 of 4 stars). 2 submissions from 2 submitters: Uncertain significance (2). Last evaluated 2026-01-19.

Conditions:
Gastrointestinal stromal tumor. Also called: Gastrointestinal stromal tumor, somatic; Gastrointestinal stroma tumor. Identifiers: Orphanet 44890, MedGen C0238198, MeSH D046152, MONDO:0011719, OMIM 606764, HP:0100723.
Hereditary cancer-predisposing syndrome. Also called: Neoplastic Syndromes, Hereditary; Hereditary Cancer Syndrome; Hereditary neoplastic syndrome; Tumor predisposition. Identifiers: Orphanet 140162, MedGen C0027672, MeSH D009386, MONDO:0015356.

Allele frequency attached by ClinVar (database versions not stated): gnomAD exomes below 0.00001.
gnomAD v4.1: 3 of 1,613,344 alleles (0.00019%); highest among the groups gnomAD compares: East Asian, 0.0022%; no homozygotes.

Submissions (2):

Labcorp Genetics (formerly Invitae), Labcorp
Classification: Uncertain significance for Gastrointestinal stromal tumor. Last evaluated: 2026-01-19. Review status: criteria provided, single submitter. Criteria: Invitae Variant Classification Sherloc (09022015). Collection method: clinical testing. Allele origin: germline.
Comment: This sequence change replaces tyrosine, which is neutral and polar, with cysteine, which is neutral and slightly polar, at codon 747 of the KIT protein (p.Tyr747Cys). This variant is not present in population databases (gnomAD no frequency). This variant has not been reported in the literature in individuals affected with KIT-related conditions. ClinVar contains an entry for this variant (Variation ID: 999444). An algorithm developed to predict the effect of missense changes on protein structure and function (PolyPhen-2) suggests that this variant is likely to be disruptive. In summary, the available evidence is currently insufficient to determine the role of this variant in disease. Therefore, it has been classified as a Variant of Uncertain Significance.

Ambry Genetics
Classification: Uncertain significance for Hereditary cancer-predisposing syndrome. Last evaluated: 2021-11-09. Review status: criteria provided, single submitter. Criteria: Ambry Variant Classification Scheme 2023. Collection method: clinical testing. Allele origin: germline.
Comment: The p.Y747C variant (also known as c.2240A>G), located in coding exon 16 of the KIT gene, results from an A to G substitution at nucleotide position 2240. The tyrosine at codon 747 is replaced by cysteine, an amino acid with highly dissimilar properties. This amino acid position is conserved. In addition, the in silico prediction for this alteration is inconclusive. Since supporting evidence is limited at this time, the clinical significance of this alteration remains unclear.

NM_000222.3(KIT):c.2240A>G (p.Tyr747Cys)

Gene: KIT (KIT proto-oncogene, receptor tyrosine kinase; plus strand). Cytogenetic location: 4q12.
Variant type: single nucleotide variant.
Coding change: c.2240A>G on transcript NM_000222.3 (MANE Select); coding-DNA position 2240, A replaced by G.
Protein change: p.Tyr747Cys; replaces tyrosine 747 with cysteine.
Molecular consequence: missense variant.
Genome position (GRCh38, 1-based): chr4:54,731,877, A>G. VCF-style: chr4-54731877-A-G. GRCh37 (hg19) VCF-style: chr4-55598043-A-G.
Other names: c.2228A>G, p.Tyr743Cys (NM_001093772.2, NM_001385292.1); c.2243A>G, p.Tyr748Cys (NM_001385284.1); c.2237A>G, p.Tyr746Cys (NM_001385285.1); c.2225A>G, p.Tyr742Cys (NM_001385286.1); c.2231A>G, p.Tyr744Cys (NM_001385288.1); c.2240A>G, p.Tyr747Cys (NM_001385290.1); short protein forms Y742C, Y743C, Y744C, Y746C, Y747C, Y748C.
Identifiers: ClinVar variation 999444 (VCV000999444.11), dbSNP rs1722618891, ClinGen allele CA356910827.